The following is an entry in ClinVar:

NM_007294.4(BRCA1):c.-19-85_-19-81del

Gene: BRCA1 (BRCA1 DNA repair associated; minus strand). Cytogenetic location: 17q21.31.
Variant type: Deletion.
Coding change: c.-19-85_-19-81del on transcript NM_007294.4 (MANE Select); 85 bases into the intron before 19 bases upstream of the start codon through 81 bases into the intron before 19 bases upstream of the start codon, 5 bases deleted (CTTTA; older notation c.-19-85_-19-81delCTTTA).
Molecular consequence: intron variant.
Genome position (GRCh38, 1-based): chr17:43,124,196-43,124,200, TAAAG deleted on the plus strand (CTTTA on the coding strand, the reverse complement: BRCA1 is on the minus strand); deleting any 5 consecutive bases within chr17:43,124,196-43,124,204 gives the same sequence; the c. name uses the placement nearest the transcript's 3' end. VCF-style (leftmost placement, unchanged base first): chr17-43124195-ATAAAG-A. GRCh37 (hg19) VCF-style: chr17-41276212-ATAAAG-A.
Other names: c.-106-85_-106-81del (NM_007297.4); c.-19-85_-19-81del (NM_007299.4, NM_007300.4).
Identifiers: ClinVar variation 264773 (VCV000264773.1), dbSNP rs56209245, ClinGen allele CA10588263.

ClinVar aggregate classification (germline): Benign (3 of 4 stars; one submission).

Conditions:
Breast-ovarian cancer, familial, susceptibility to, 1 (BROVCA1). Also called: BRCA1 Hereditary Breast and Ovarian Cancer; OVARIAN CANCER, SUSCEPTIBILITY TO. Identifiers: Orphanet 145, MedGen C2676676, MONDO:0011450, OMIM 604370. Disease mechanism: loss of function.

Submission:

Evidence-based Network for the Interpretation of Germline Mutant Alleles (ENIGMA)
Classification: Benign for Breast-ovarian cancer, familial, susceptibility to, 1. Last evaluated: 2016-09-28. Review status: reviewed by expert panel. Criteria: ENIGMA BRCA1/2 Classification Criteria (2015). Collection method: curation. Allele origin: germline.
Comment: Class 1 not pathogenic based on frequency >1% in an outbred sampleset. Frequency 0.0144 (African), derived from 1000 genomes (2013-05-02).